The following is an entry in ClinVar:

ClinVar aggregate classification (germline): Pathogenic/Likely pathogenic. Review status: criteria provided, multiple submitters, no conflicts (2 of 4 stars). 2 submissions from 2 submitters: Pathogenic (1); Likely pathogenic (1). Last evaluated 2022-08-15.

Submissions (2):

Revvity Omics, Revvity
Classification: Likely pathogenic. Last evaluated: 2022-08-15. Review status: criteria provided, single submitter. Criteria: ACMG Guidelines, 2015. Collection method: clinical testing. Allele origin: germline.

ARUP Laboratories, Molecular Genetics and Genomics, ARUP Laboratories
Classification: Pathogenic. Last evaluated: 2022-03-10. Review status: criteria provided, single submitter. Criteria: ARUP Molecular Germline Variant Investigation Process 2021. Collection method: clinical testing. Allele origin: germline.
Comment: The SLC4A1 c.16-1G>A variant, to our knowledge, is not reported in the medical literature or gene specific databases. This variant is also absent from the Genome Aggregation Database, indicating it is not a common polymorphism. This variant disrupts the canonical splice acceptor site of intron 2, which is likely to negatively impact gene function. Based on available information, this variant is considered to be pathogenic.

NM_000342.4(SLC4A1):c.16-1G>A

Gene: SLC4A1 (solute carrier family 4 member 1 (Diego blood group); minus strand). Cytogenetic location: 17q21.31.
Variant type: single nucleotide variant.
Coding change: c.16-1G>A on transcript NM_000342.4 (MANE Select); the canonical splice acceptor site of the intron before coding-DNA position 16, G replaced by A.
Molecular consequence: splice acceptor variant.
Genome position (GRCh38, 1-based): chr17:44,262,727, C>T on the plus strand (G>A on the coding strand, the complement: SLC4A1 is on the minus strand). VCF-style: chr17-44262727-C-T. GRCh37 (hg19) VCF-style: chr17-42340095-C-T.
Identifiers: ClinVar variation 2428727 (VCV002428727.5), dbSNP rs2509973964, ClinGen allele CA399798699.